The following is an entry in ClinVar:

NM_000156.6(GAMT):c.230A>G (p.Lys77Arg)

Gene: GAMT (guanidinoacetate N-methyltransferase; minus strand). Cytogenetic location: 19p13.3.
Variant type: single nucleotide variant.
Coding change: c.230A>G on transcript NM_000156.6 (MANE Select); coding-DNA position 230, A replaced by G.
Protein change: p.Lys77Arg; replaces lysine 77 with arginine.
Molecular consequence: missense variant.
Genome position (GRCh38, 1-based): chr19:1,399,890, T>C on the plus strand (A>G on the coding strand, the complement: GAMT is on the minus strand). VCF-style: chr19-1399890-T-C. GRCh37 (hg19) VCF-style: chr19-1399889-T-C.
Other names: c.230A>G, p.Lys77Arg (NM_138924.3); short protein forms K77R.
Identifiers: ClinVar variation 1980865 (VCV001980865.1), dbSNP rs2512226438, ClinGen allele CA402996898.

ClinVar aggregate classification (germline): Uncertain significance (1 of 4 stars; one submission).

Conditions:
Cerebral creatine deficiency syndrome. Also called: Creatine deficiency syndromes. Identifiers: Orphanet 79172, MedGen C5244016, MONDO:0000456.

Allele frequency attached by ClinVar (database versions not stated): gnomAD exomes 0.00001.
gnomAD v4.1: 17 of 1,608,396 alleles (0.0011%); highest among the groups gnomAD compares: Non-Finnish European, 0.0014%; no homozygotes.

Submission:

Labcorp Genetics (formerly Invitae), Labcorp
Classification: Uncertain significance for Cerebral creatine deficiency syndrome. Last evaluated: 2022-03-12. Review status: criteria provided, single submitter. Criteria: Invitae Variant Classification Sherloc (09022015). Collection method: clinical testing. Allele origin: germline.
Comment: This sequence change replaces lysine, which is basic and polar, with arginine, which is basic and polar, at codon 77 of the GAMT protein (p.Lys77Arg). This variant is not present in population databases (gnomAD no frequency). This variant has not been reported in the literature in individuals affected with GAMT-related conditions. Algorithms developed to predict the effect of missense changes on protein structure and function output the following: SIFT: "Tolerated"; PolyPhen-2: "Benign"; Align-GVGD: "Class C0". The arginine amino acid residue is found in multiple mammalian species, which suggests that this missense change does not adversely affect protein function. In summary, the available evidence is currently insufficient to determine the role of this variant in disease. Therefore, it has been classified as a Variant of Uncertain Significance.